The following is an entry in ClinVar:

NM_138694.4(PKHD1):c.4932G>A (p.Trp1644Ter)

Genes: PKHD1 (PKHD1 ciliary IPT domain containing fibrocystin/polyductin; minus strand), LOC126859690 (MED14-independent group 3 enhancer GRCh37_chr6:51888848-51890047; plus strand). Cytogenetic location: 6p12.2.
Variant type: single nucleotide variant.
Coding change: c.4932G>A on transcript NM_138694.4 (MANE Select); coding-DNA position 4932, G replaced by A.
Protein change: p.Trp1644Ter; replaces tryptophan 1644 with a stop codon.
Molecular consequence: nonsense.
Genome position (GRCh38, 1-based): chr6:52,024,878, C>T on the plus strand (G>A on the coding strand, the complement: PKHD1 is on the minus strand). VCF-style: chr6-52024878-C-T. GRCh37 (hg19) VCF-style: chr6-51889676-C-T.
Other names: c.4932G>A, p.Trp1644Ter (NM_170724.3); short protein forms W1644*.
Identifiers: ClinVar variation 834198 (VCV000834198.8), dbSNP rs779028446, ClinGen allele CA364430553.

ClinVar aggregate classification (germline): Pathogenic (1 of 4 stars; one submission).

Conditions:
Autosomal recessive polycystic kidney disease (ARPKD). Also called: AR polycystic kidney disease. Identifiers: Orphanet 731, Orphanet 8378, MedGen C0085548, MeSH D017044, MONDO:0009889.

Submission:

Labcorp Genetics (formerly Invitae), Labcorp
Classification: Pathogenic for Autosomal recessive polycystic kidney disease. Last evaluated: 2023-06-02. Review status: criteria provided, single submitter. Criteria: Invitae Variant Classification Sherloc (09022015). Collection method: clinical testing. Allele origin: germline.
Comment: This sequence change creates a premature translational stop signal (p.Trp1644*) in the PKHD1 gene. It is expected to result in an absent or disrupted protein product. Loss-of-function variants in PKHD1 are known to be pathogenic (PMID: 19940839). This variant is not present in population databases (gnomAD no frequency). This variant has not been reported in the literature in individuals affected with PKHD1-related conditions. ClinVar contains an entry for this variant (Variation ID: 834198). For these reasons, this variant has been classified as Pathogenic.

Literature cited by the submitters: PubMed 19940839.